The following is an entry in ClinVar:

ClinVar aggregate classification (germline): Uncertain significance (1 of 4 stars; one submission).

Conditions:
Renal hypodysplasia/aplasia 3 (RHDA3). Identifiers: MedGen C4540497, MONDO:0024520, OMIM 617805.

Submission:

Broad Center for Mendelian Genomics, Broad Institute of MIT and Harvard
Classification: Uncertain significance for Renal hypodysplasia/aplasia 3. Last evaluated: 2023-01-25. Review status: criteria provided, single submitter. Criteria: ACMG Guidelines, 2015. Collection method: curation. Allele origin: germline. Inheritance: Autosomal dominant inheritance.
Comment: Trio exome analysis showed this variant to be de novo. The p.Thr1872AsnfsTer24 variant in GREB1L has not been previously reported in individuals with renal hypodysplasia/aplasia 3. This variant was absent from large population studies. This variant is predicted to cause a frameshift, which alters the protein‚Äôs amino acid sequence beginning at position 1872 and leads to a premature termination codon 24 amino acids downstream. This termination codon occurs within the terminal 50 bases of the last exon and is more likely to escape nonsense mediated decay (NMD) and result in a truncated protein. Heterozygous loss of function of the GREB1L gene is strongly associated to autosomal dominant renal hypodysplasia/aplasia 3. In summary, while there is some suspicion for a pathogenic role, the clinical significance of this variant is uncertain. ACMG/AMP Criteria applied: PVS1_Supporting, PS2_Supporting, PM2_Supporting (Richards 2015).

NM_001142966.3(GREB1L):c.5614dup (p.Thr1872fs)

Gene: GREB1L (GREB1 like retinoic acid receptor coactivator; plus strand). Cytogenetic location: 18q11.2.
Variant type: Duplication.
Coding change: c.5614dup on transcript NM_001142966.3 (MANE Select); coding-DNA position 5614, one base duplicated (A; older notation c.5614dupA).
Protein change: p.Thr1872fs; shifts the reading frame from threonine 1872.
Molecular consequence: frameshift variant.
Genome position (GRCh38, 1-based): chr18:21,522,663, A duplicated. VCF-style (leftmost placement, unchanged base first): chr18-21522662-T-TA. GRCh37 (hg19) VCF-style: chr18-19102623-T-TA.
Other names: NM_001142966.3:c.5614dup; c.5743dup, p.Thr1915Asnfs (NM_001410867.1); c.5287dup, p.Thr1763Asnfs (NM_001410868.1); short protein forms T1872fs.
Identifiers: ClinVar variation 2412755 (VCV002412755.1), dbSNP rs2512060299, ClinGen allele CA913189267.